The following is an entry in ClinVar:

ClinVar aggregate classification (germline): Uncertain significance (0 of 4 stars; one submission).

Conditions:
SLC35A2-related disorder. Also called: SLC35A2-related condition.

Submission:

PreventionGenetics, part of Exact Sciences
Classification: Uncertain significance for SLC35A2-related condition. Last evaluated: 2024-07-30. Review status: no assertion criteria provided. Collection method: clinical testing. Allele origin: germline.
Comment: The SLC35A2 c.111delinsTA variant is predicted to result in a frameshift and premature protein termination (p.Glu37Aspfs*16). This variant is predicted to result in a premature protein termination (p.Glu37Aspfs*16) in an alternative transcript, NM_001282651; however, this variant is predicted to be intronic in the other transcripts, including NM_001042498.3 (c.92-302delinsTA, p.?). This variant is not predicted to alter splicing based on available splicing prediction programs (SpliceAI, Jaganathan et al. 2019. PubMed ID: 30661751). However, the use of computer prediction programs is not equivalent to functional evidence. To our knowledge, this variant has not been reported in the literature or in a large population database, indicating this variant is rare. At this time, the clinical significance of this variant is uncertain due to the absence of conclusive functional and genetic evidence.

NM_005660.3(SLC35A2):c.92-302delinsTA

Gene: SLC35A2 (solute carrier family 35 member A2; minus strand). Cytogenetic location: Xp11.23.
Variant type: Indel.
Coding change: c.92-302delinsTA on transcript NM_005660.3 (MANE Select); 302 bases into the intron before coding-DNA position 92, G replaced by TA.
Molecular consequence: intron variant. On other transcripts: frameshift variant (1).
Genome position (GRCh38, 1-based): chrX:48,910,298, C replaced by TA on the plus strand (G replaced by TA on the coding strand, the reverse complement: SLC35A2 is on the minus strand). VCF-style: chrX-48910298-C-TA. GRCh37 (hg19) VCF-style: chrX-48767575-C-TA.
Other names: c.111delinsTA, p.Glu37fs (NM_001282651.2); c.91+1248delinsTA (NM_001282649.2); c.92-302delinsTA (NM_001282647.2, NM_001042498.3, NM_001032289.3); c.131-302delinsTA (NM_001282650.2); c.20-302delinsTA (NM_001282648.2); short protein forms E37fs.
Identifiers: ClinVar variation 3347928 (VCV003347928.1).